The following is an entry in ClinVar:

ClinVar aggregate classification (germline): Uncertain significance. Review status: criteria provided, multiple submitters, no conflicts (2 of 4 stars). 5 submissions from 5 submitters: Uncertain significance (5). Last evaluated 2023-06-20.

Conditions:
Inborn genetic diseases. Identifiers: MedGen C0950123, MeSH D030342.

Allele frequency attached by ClinVar (database versions not stated): gnomAD 0.00001; ExAC 0.00003; gnomAD exomes 0.00005; TOPMed 0.00003.
gnomAD v4.1: 69 of 1,612,878 alleles (0.0043%); highest among the groups gnomAD compares: East Asian, 0.02%; no homozygotes.

Submissions (5):

GeneDx
Classification: Uncertain significance. Last evaluated: 2023-06-20. Review status: criteria provided, single submitter. Criteria: GeneDx Variant Classification Process June 2021. Collection method: clinical testing. Allele origin: germline. Affected: yes.
Comment: In silico analysis supports that this missense variant has a deleterious effect on protein structure/function; Has not been previously published as pathogenic or benign to our knowledge

Labcorp Genetics (formerly Invitae), Labcorp
Classification: Uncertain significance. Last evaluated: 2022-08-28. Review status: criteria provided, single submitter. Criteria: Invitae Variant Classification Sherloc (09022015). Collection method: clinical testing. Allele origin: germline.
Comment: ClinVar contains an entry for this variant (Variation ID: 1256155). In summary, the available evidence is currently insufficient to determine the role of this variant in disease. Therefore, it has been classified as a Variant of Uncertain Significance. Algorithms developed to predict the effect of missense changes on protein structure and function are either unavailable or do not agree on the potential impact of this missense change (SIFT: "Deleterious"; PolyPhen-2: "Probably Damaging"; Align-GVGD: "Class C0"). This variant has not been reported in the literature in individuals affected with HSPG2-related conditions. This variant is present in population databases (rs755793917, gnomAD 0.05%). This sequence change replaces glycine, which is neutral and non-polar, with arginine, which is basic and polar, at codon 1880 of the HSPG2 protein (p.Gly1880Arg).

Ambry Genetics
Classification: Uncertain significance for Inborn genetic diseases. Last evaluated: 2022-04-12. Review status: criteria provided, single submitter. Criteria: Ambry Variant Classification Scheme 2023. Collection method: clinical testing. Allele origin: germline.

Athena Diagnostics
Classification: Uncertain significance. Last evaluated: 2021-03-25. Review status: criteria provided, single submitter. Criteria: Athena Diagnostics criteria. Collection method: clinical testing. Allele origin: unknown.

Revvity Omics, Revvity
Classification: Uncertain significance. Last evaluated: 2019-12-09. Review status: criteria provided, single submitter. Criteria: ACMG Guidelines, 2015. Collection method: clinical testing. Allele origin: germline.

NM_005529.7(HSPG2):c.5638G>A (p.Gly1880Arg)

Gene: HSPG2 (heparan sulfate proteoglycan 2; minus strand). Cytogenetic location: 1p36.12.
Variant type: single nucleotide variant.
Coding change: c.5638G>A on transcript NM_005529.7 (MANE Select); coding-DNA position 5638, G replaced by A.
Protein change: p.Gly1880Arg; replaces glycine 1880 with arginine.
Molecular consequence: missense variant.
Genome position (GRCh38, 1-based): chr1:21,855,850, C>T on the plus strand (G>A on the coding strand, the complement: HSPG2 is on the minus strand). VCF-style: chr1-21855850-C-T. GRCh37 (hg19) VCF-style: chr1-22182343-C-T.
Other names: c.5638G>A (NM_005529.5); c.5641G>A, p.Gly1881Arg (NM_001291860.2); short protein forms G1880R, G1881R.
Identifiers: ClinVar variation 1256155 (VCV001256155.10), dbSNP rs755793917, ClinGen allele CA671846.